The following is an entry in ClinVar:

ClinVar aggregate classification (germline): Uncertain significance. Review status: criteria provided, multiple submitters, no conflicts (2 of 4 stars). 2 submissions from 2 submitters: Uncertain significance (2). Last evaluated 2026-01-08.

Conditions:
Hereditary cancer-predisposing syndrome. Also called: Tumor predisposition; Hereditary Cancer Syndrome; Hereditary neoplastic syndrome; Neoplastic Syndromes, Hereditary. Identifiers: Orphanet 140162, MedGen C0027672, MeSH D009386, MONDO:0015356.

Submissions (2):

Ambry Genetics
Classification: Uncertain significance for Hereditary cancer-predisposing syndrome. Last evaluated: 2026-01-08. Review status: criteria provided, single submitter. Criteria: Ambry Variant Classification Scheme 2023. Collection method: clinical testing. Allele origin: germline.
Comment: The p.I478N variant (also known as c.1433T>A), located in coding exon 14 of the POLE gene, results from a T to A substitution at nucleotide position 1433. The isoleucine at codon 478 is replaced by asparagine, an amino acid with dissimilar properties. This amino acid position is highly conserved in available vertebrate species. In addition, the in silico prediction for this alteration is inconclusive. Based on the available evidence, the clinical significance of this variant remains unclear.

Labcorp Genetics (formerly Invitae), Labcorp
Classification: Uncertain significance. Last evaluated: 2025-10-21. Review status: criteria provided, single submitter. Criteria: Invitae Variant Classification Sherloc (09022015). Collection method: clinical testing. Allele origin: germline.
Comment: This sequence change replaces isoleucine, which is neutral and non-polar, with asparagine, which is neutral and polar, at codon 478 of the POLE protein (p.Ile478Asn). This variant is not present in population databases (gnomAD no frequency). This variant has not been reported in the literature in individuals affected with POLE-related conditions. ClinVar contains an entry for this variant (Variation ID: 1772559). Invitae Evidence Modeling of protein sequence and biophysical properties (such as structural, functional, and spatial information, amino acid conservation, physicochemical variation, residue mobility, and thermodynamic stability) indicates that this missense variant is expected to disrupt POLE protein function with a positive predictive value of 80%. In summary, the available evidence is currently insufficient to determine the role of this variant in disease. Therefore, it has been classified as a Variant of Uncertain Significance.

NM_006231.4(POLE):c.1433T>A (p.Ile478Asn)

Gene: POLE (DNA polymerase epsilon, catalytic subunit; minus strand). Cytogenetic location: 12q24.33.
Variant type: single nucleotide variant.
Coding change: c.1433T>A on transcript NM_006231.4 (MANE Select); coding-DNA position 1433, T replaced by A.
Protein change: p.Ile478Asn; replaces isoleucine 478 with asparagine.
Molecular consequence: missense variant.
Genome position (GRCh38, 1-based): chr12:132,673,204, A>T on the plus strand (T>A on the coding strand, the complement: POLE is on the minus strand). VCF-style: chr12-132673204-A-T. GRCh37 (hg19) VCF-style: chr12-133249790-A-T.
Other names: short protein forms I478N.
Identifiers: ClinVar variation 1772559 (VCV001772559.7), dbSNP rs2542140314, ClinGen allele CA387358312.